The following is an entry in ClinVar:

NM_004836.7(EIF2AK3):c.115_147del (p.Pro39_Ala49del)

Gene: EIF2AK3 (eukaryotic translation initiation factor 2 alpha kinase 3; minus strand). Cytogenetic location: 2p11.2.
Variant type: Deletion.
Coding change: c.115_147del on transcript NM_004836.7 (MANE Select); coding-DNA positions 115 to 147, 33 bases deleted.
Protein change: p.Pro39_Ala49del.
Molecular consequence: inframe deletion.
Genome position (GRCh38, 1-based): chr2:88,627,128-88,627,160, 33 bases deleted; deleting any 33 consecutive bases within chr2:88,627,128-88,627,163 gives the same sequence; the c. name uses the placement nearest the transcript's 3' end. GRCh37 (hg19): chr2:88,926,649-88,926,681.
Identifiers: ClinVar variation 2042948 (VCV002042948.4), dbSNP rs2528309073, ClinGen allele CA2580068339.

ClinVar aggregate classification (germline): Uncertain significance (1 of 4 stars; one submission).

Submission:

Labcorp Genetics (formerly Invitae), Labcorp
Classification: Uncertain significance. Last evaluated: 2021-12-15. Review status: criteria provided, single submitter. Criteria: Invitae Variant Classification Sherloc (09022015). Collection method: clinical testing. Allele origin: germline.
Comment: This variant, c.115_147del, results in the deletion of 11 amino acid(s) of the EIF2AK3 protein (p.Pro39_Ala49del), but otherwise preserves the integrity of the reading frame. This variant is not present in population databases (gnomAD no frequency). This variant has not been reported in the literature in individuals affected with EIF2AK3-related conditions. Experimental studies and prediction algorithms are not available or were not evaluated, and the functional significance of this variant is currently unknown. In summary, the available evidence is currently insufficient to determine the role of this variant in disease. Therefore, it has been classified as a Variant of Uncertain Significance.